The following is an entry in ClinVar:

ClinVar aggregate classification (germline): Uncertain significance. Review status: criteria provided, multiple submitters, no conflicts (2 of 4 stars). 2 submissions from 2 submitters: Uncertain significance (2). Last evaluated 2025-05-28.

Conditions:
Inborn genetic diseases. Identifiers: MedGen C0950123, MeSH D030342.

Allele frequency attached by ClinVar (database versions not stated): gnomAD 0.00001; TOPMed 0.00001; ESP Exome Variant Server 0.00008.
gnomAD v4.1: 30 of 1,613,990 alleles (0.0019%); highest among the groups gnomAD compares: Non-Finnish European, 0.0025%; no homozygotes.

Submissions (2):

Ambry Genetics
Classification: Uncertain significance for Inborn genetic diseases. Last evaluated: 2025-05-28. Review status: criteria provided, single submitter. Criteria: Ambry Variant Classification Scheme 2023. Collection method: clinical testing. Allele origin: germline.

Labcorp Genetics (formerly Invitae), Labcorp
Classification: Uncertain significance. Last evaluated: 2022-04-21. Review status: criteria provided, single submitter. Criteria: Invitae Variant Classification Sherloc (09022015). Collection method: clinical testing. Allele origin: germline.
Comment: This variant is present in population databases (rs148176179, gnomAD 0.004%). This sequence change replaces serine, which is neutral and polar, with tryptophan, which is neutral and slightly polar, at codon 84 of the DNAJC12 protein (p.Ser84Trp). This variant has not been reported in the literature in individuals affected with DNAJC12-related conditions. In summary, the available evidence is currently insufficient to determine the role of this variant in disease. Therefore, it has been classified as a Variant of Uncertain Significance. Algorithms developed to predict the effect of missense changes on protein structure and function are either unavailable or do not agree on the potential impact of this missense change (SIFT: "Deleterious"; PolyPhen-2: "Possibly Damaging"; Align-GVGD: "Class C15").

NM_021800.3(DNAJC12):c.251C>G (p.Ser84Trp)

Gene: DNAJC12 (DnaJ heat shock protein family (Hsp40) member C12; minus strand). Cytogenetic location: 10q21.3.
Variant type: single nucleotide variant.
Coding change: c.251C>G on transcript NM_021800.3 (MANE Select); coding-DNA position 251, C replaced by G.
Protein change: p.Ser84Trp; replaces serine 84 with tryptophan.
Molecular consequence: missense variant.
Genome position (GRCh38, 1-based): chr10:67,811,570, G>C on the plus strand (C>G on the coding strand, the complement: DNAJC12 is on the minus strand). VCF-style: chr10-67811570-G-C. GRCh37 (hg19) VCF-style: chr10-69571328-G-C.
Other names: c.251C>G (NM_021800.2); c.251C>G, p.Ser84Trp (NM_201262.2); short protein forms S84W.
Identifiers: ClinVar variation 2147796 (VCV002147796.5), dbSNP rs148176179, ClinGen allele CA5520866.
Genomic context (GRCh38, chr10:67,811,570, plus strand): 5'-AGCGAGAAACCCACCGTCTTCACTGAGTCATTCAAAGCTTCCCACTGCTGGAATGGCATC[G>C]ACATCTGGCTCCTTCGCCAGTGGTCATAGCGGGCTCGACTCTCTTCATTGGTCAGAATCT-3'
Protein context (NP_068572.1, residues 74-94): RYDHWRRSQM[Ser84Trp]MPFQQWEALN